The following is an entry in ClinVar:

NM_004958.4(MTOR):c.6247_6248insT (p.Glu2083fs)

Gene: MTOR (mechanistic target of rapamycin kinase; minus strand). Cytogenetic location: 1p36.22.
Variant type: Insertion.
Coding change: c.6247_6248insT on transcript NM_004958.4 (MANE Select); coding-DNA positions 6247 to 6248, T inserted.
Protein change: p.Glu2083fs; shifts the reading frame from glutamic acid 2083.
Molecular consequence: frameshift variant.
Genome position: GRCh38 VCF-style: chr1-11127113-T-TA. GRCh37 (hg19) VCF-style: chr1-11187170-T-TA.
Other names: c.6247_6248insT (NM_004958.3); short protein forms E2083fs.
Identifiers: ClinVar variation 1008160 (VCV001008160.7), dbSNP rs1642875607, ClinGen allele CA1153538981.

ClinVar aggregate classification (germline): Uncertain significance. Review status: criteria provided, multiple submitters, no conflicts (2 of 4 stars). 2 submissions from 2 submitters: Uncertain significance (2). Last evaluated 2023-01-03.

Submissions (2):

Women's Health and Genetics/Laboratory Corporation of America, LabCorp
Classification: Uncertain significance. Last evaluated: 2023-01-03. Review status: criteria provided, single submitter. Criteria: LabCorp Variant Classification Summary - May 2015. Collection method: clinical testing. Allele origin: germline.
Comment: Variant summary: MTOR/FRAP1 c.6247_6248insT (p.Glu2083ValfsX55) results in a premature termination codon, predicted to cause a truncation of the encoded protein or absence of the protein due to nonsense mediated decay. However, there is not enough evidence to determine if MTOR/FRAP1 loss-of-function variants contribute to disease at present. The variant was absent in 251478 control chromosomes. The available data on variant occurrences in the general population are insufficient to allow any conclusion about variant significance. To our knowledge, no occurrence of c.6247_6248insT in individuals affected with Smith-Kingsmore Syndrome and no experimental evidence demonstrating its impact on protein function have been reported. One clinical diagnostic laboratory has submitted clinical-significance assessments for this variant to ClinVar after 2014 and classified the variant as uncertain significance. Based on the evidence outlined above, the variant was classified as uncertain significance.

Labcorp Genetics (formerly Invitae), Labcorp
Classification: Uncertain significance. Last evaluated: 2020-06-06. Review status: criteria provided, single submitter. Criteria: Invitae Variant Classification Sherloc (09022015). Collection method: clinical testing. Allele origin: germline.
Comment: In summary, the available evidence is currently insufficient to determine the role of this variant in disease. Therefore, it has been classified as a Variant of Uncertain Significance. The current clinical and genetic evidence is not sufficient to establish whether loss-of-function variants in MTOR cause disease. This variant has not been reported in the literature in individuals with MTOR-related conditions. This variant is not present in population databases (ExAC no frequency). This sequence change creates a premature translational stop signal (p.Glu2083Valfs*55) in the MTOR gene. It is expected to result in an absent or disrupted protein product.